The following is an entry in ClinVar:

ClinVar aggregate classification (germline): Uncertain significance (1 of 4 stars; one submission).

Conditions:
Multiple endocrine neoplasia, type 2 (MEN2). Identifiers: Orphanet 653, MedGen C4048306, MONDO:0019003. Disease mechanism: gain of function.

Submission:

Labcorp Genetics (formerly Invitae), Labcorp
Classification: Uncertain significance for Multiple endocrine neoplasia, type 2. Last evaluated: 2022-10-31. Review status: criteria provided, single submitter. Criteria: Invitae Variant Classification Sherloc (09022015). Collection method: clinical testing. Allele origin: germline.
Comment: In summary, the available evidence is currently insufficient to determine the role of this variant in disease. Therefore, it has been classified as a Variant of Uncertain Significance. Algorithms developed to predict the effect of missense changes on protein structure and function (SIFT, PolyPhen-2, Align-GVGD) all suggest that this variant is likely to be tolerated. This variant has not been reported in the literature in individuals affected with RET-related conditions. This variant is not present in population databases (gnomAD no frequency). This sequence change replaces proline, which is neutral and non-polar, with alanine, which is neutral and non-polar, at codon 320 of the RET protein (p.Pro320Ala).

NM_020975.6(RET):c.958C>G (p.Pro320Ala)

Gene: RET (ret proto-oncogene; plus strand). Cytogenetic location: 10q11.21.
Variant type: single nucleotide variant.
Coding change: c.958C>G on transcript NM_020975.6 (MANE Select); coding-DNA position 958, C replaced by G.
Protein change: p.Pro320Ala; replaces proline 320 with alanine.
Molecular consequence: missense variant. On other transcripts: intron variant (25).
Genome position (GRCh38, 1-based): chr10:43,106,466, C>G. VCF-style: chr10-43106466-C-G. GRCh37 (hg19) VCF-style: chr10-43601914-C-G.
Other names: c.958C>G, p.Pro320Ala (NM_000323.2, NM_001406743.1, NM_001406744.1 and 6 more transcripts); c.196C>G, p.Pro66Ala (NM_001355216.2); c.829C>G, p.Pro277Ala (NM_001406761.1, NM_001406762.1, NM_001406764.1 and 1 more transcripts); c.670C>G, p.Pro224Ala (NM_001406766.1, NM_001406767.1, NM_001406770.1); c.867+1273C>G (NM_001406772.1, NM_001406769.1); c.626-2565C>G (NM_001406773.1, NM_001406771.1); c.625+3837C>G (NM_001406782.1, NM_001406780.1, NM_001406779.1 and 3 more transcripts); c.74-5633C>G (NM_001406794.1, NM_001406792.1, NM_001406793.1); and 5 more; short protein forms P66A, P224A, P277A, P320A.
Identifiers: ClinVar variation 2801647 (VCV002801647.3), dbSNP rs2538403940, ClinGen allele CA376546097.